The following is an entry in ClinVar:

ClinVar aggregate classification (germline): Pathogenic. Review status: criteria provided, multiple submitters, no conflicts (2 of 4 stars). 3 submissions from 3 submitters: Pathogenic (3). Last evaluated 2021-11-07.

Conditions:
Tuberous sclerosis 2 (TSC2). Identifiers: Orphanet 805, MedGen C1860707, MONDO:0013199, OMIM 613254.

Submissions (3):

Genome-Nilou Lab
Classification: Pathogenic for Tuberous sclerosis 2. Last evaluated: 2021-11-07. Review status: criteria provided, single submitter. Criteria: ACMG Guidelines, 2015. Collection method: clinical testing. Allele origin: germline. Affected: no.

Labcorp Genetics (formerly Invitae), Labcorp
Classification: Pathogenic for Tuberous sclerosis 2. Last evaluated: 2021-06-28. Review status: criteria provided, single submitter. Criteria: Invitae Variant Classification Sherloc (09022015). Collection method: clinical testing. Allele origin: germline.
Comment: This sequence change creates a premature translational stop signal (p.Trp167*) in the TSC2 gene. It is expected to result in an absent or disrupted protein product. This variant is not present in population databases (ExAC no frequency). This variant has been observed to be de novo in an individual affected with tuberoius sclerosis complex (PMID: 27859028). ClinVar contains an entry for this variant (Variation ID: 430129). A different variant (c.501G>A) giving rise to the same protein effect observed here (p.Trp167*) has been determined to be pathogenic (PMID:24668795, 28643795). This suggests that this variant is also likely to be causative of disease. Loss-of-function variants in TSC2 are known to be pathogenic (PMID: 10205261, 17304050). For these reasons, this variant has been classified as Pathogenic.

GeneDx
Classification: Pathogenic. Last evaluated: 2017-05-17. Review status: criteria provided, single submitter. Criteria: GeneDx Variant Classification (06012015). Collection method: clinical testing. Allele origin: germline. Affected: yes.
Comment: The W167X pathogenic variant in the TSC2 gene has not been reported previously as a pathogenic variant, nor as a benign variant, to our knowledge. This variant is predicted to cause loss of normal protein function either through protein truncation or nonsense-mediated mRNA decay. The W167X variant is not observed at a significant frequency in large population cohorts (Lek et al., 2016; 1000 Genomes Consortium et al., 2015; Exome Variant Server). We interpret W167X as a pathogenic variant.

Literature cited by the submitters: PubMed 27859028 (cited by Labcorp Genetics (formerly Invitae), Labcorp); PubMed 24668795 (cited by Labcorp Genetics (formerly Invitae), Labcorp); PubMed 28643795 (cited by Labcorp Genetics (formerly Invitae), Labcorp); PubMed 10205261 (cited by Labcorp Genetics (formerly Invitae), Labcorp); PubMed 17304050 (cited by Labcorp Genetics (formerly Invitae), Labcorp).

NM_000548.5(TSC2):c.500G>A (p.Trp167Ter)

Gene: TSC2 (TSC complex subunit 2; plus strand). Cytogenetic location: 16p13.3.
Variant type: single nucleotide variant.
Coding change: c.500G>A on transcript NM_000548.5 (MANE Select); coding-DNA position 500, G replaced by A.
Protein change: p.Trp167Ter; replaces tryptophan 167 with a stop codon.
Molecular consequence: nonsense. On other transcripts: intron variant (1).
Genome position (GRCh38, 1-based): chr16:2,055,420, G>A. VCF-style: chr16-2055420-G-A. GRCh37 (hg19) VCF-style: chr16-2105421-G-A.
Other names: c.500G>A, p.Trp167Ter (NM_001077183.3, NM_001114382.3, NM_001363528.2 and 3 more transcripts); c.389G>A, p.Trp130Ter (NM_001318827.2); c.353G>A, p.Trp118Ter (NM_001318829.2); c.533G>A, p.Trp178Ter (NM_001318832.2); c.-1-776G>A (NM_001318831.2); short protein forms W167*, W178*, W118*, W130*.
Identifiers: ClinVar variation 430129 (VCV000430129.13), dbSNP rs1131691794, ClinGen allele CA394309138.